The following is an entry in ClinVar:

NM_001003800.2(BICD2):c.862G>A (p.Asp288Asn)

Gene: BICD2 (BICD cargo adaptor 2; minus strand). Cytogenetic location: 9q22.31.
Variant type: single nucleotide variant.
Coding change: c.862G>A on transcript NM_001003800.2 (MANE Select); coding-DNA position 862, G replaced by A.
Protein change: p.Asp288Asn; replaces aspartic acid 288 with asparagine.
Molecular consequence: missense variant.
Genome position (GRCh38, 1-based): chr9:92,720,500, C>T on the plus strand (G>A on the coding strand, the complement: BICD2 is on the minus strand). VCF-style: chr9-92720500-C-T. GRCh37 (hg19) VCF-style: chr9-95482782-C-T.
Other names: c.862G>A, p.Asp288Asn (NM_015250.4); short protein forms D288N.
Identifiers: ClinVar variation 2802176 (VCV002802176.3), dbSNP rs1306070294, ClinGen allele CA374043217.

ClinVar aggregate classification (germline): Uncertain significance (1 of 4 stars; one submission).

Conditions:
Autosomal dominant childhood-onset proximal spinal muscular atrophy with contractures (SMALED2A). Also called: SPINAL MUSCULAR ATROPHY, LOWER EXTREMITY-PREDOMINANT, 2A, CHILDHOOD ONSET, AUTOSOMAL DOMINANT; Spinal muscular atrophy, lower extremity-predominant, 2A, autosomal dominant. Identifiers: Orphanet 363447, Orphanet 363454, MedGen C4747715, MONDO:0014121, OMIM 615290.

Allele frequency attached by ClinVar (database versions not stated): gnomAD exomes below 0.00001.
gnomAD v4.1: 1 of 1,614,194 alleles (0.000062%); highest among the groups gnomAD compares: Non-Finnish European, 0.000085%; no homozygotes.

Submission:

Labcorp Genetics (formerly Invitae), Labcorp
Classification: Uncertain significance for Autosomal dominant childhood-onset proximal spinal muscular atrophy with contractures. Last evaluated: 2023-05-27. Review status: criteria provided, single submitter. Criteria: Invitae Variant Classification Sherloc (09022015). Collection method: clinical testing. Allele origin: germline.
Comment: This sequence change replaces aspartic acid, which is acidic and polar, with asparagine, which is neutral and polar, at codon 288 of the BICD2 protein (p.Asp288Asn). This variant is not present in population databases (gnomAD no frequency). This variant has not been reported in the literature in individuals affected with BICD2-related conditions. Advanced modeling of protein sequence and biophysical properties (such as structural, functional, and spatial information, amino acid conservation, physicochemical variation, residue mobility, and thermodynamic stability) performed at Invitae indicates that this missense variant is not expected to disrupt BICD2 protein function. In summary, the available evidence is currently insufficient to determine the role of this variant in disease. Therefore, it has been classified as a Variant of Uncertain Significance.